The following is an entry in ClinVar:

NM_021067.5(GINS1):c.29T>G (p.Ile10Ser)

Genes: GINS1 (GINS complex subunit 1; plus strand), LOC130065587 (ATAC-STARR-seq lymphoblastoid active region 17669; plus strand). Cytogenetic location: 20p11.21.
Variant type: single nucleotide variant.
Coding change: c.29T>G on transcript NM_021067.5 (MANE Select); coding-DNA position 29, T replaced by G.
Protein change: p.Ile10Ser; replaces isoleucine 10 with serine.
Molecular consequence: missense variant. On other transcripts: non-coding transcript variant (1).
Genome position (GRCh38, 1-based): chr20:25,407,849, T>G. VCF-style: chr20-25407849-T-G. GRCh37 (hg19) VCF-style: chr20-25388485-T-G.
Other names: short protein forms I10S.
Identifiers: ClinVar variation 1012480 (VCV001012480.47), dbSNP rs752803071, ClinGen allele CA9796369.

ClinVar aggregate classification (germline): Uncertain significance. Review status: criteria provided, multiple submitters, no conflicts (2 of 4 stars). 3 submissions from 3 submitters: Uncertain significance (3). Last evaluated 2024-10-27.

Allele frequency attached by ClinVar (database versions not stated): gnomAD 0.00001; gnomAD exomes 0.00002 and 0.00004; ExAC 0.00008; TOPMed below 0.00001.
gnomAD v4.1: 25 of 1,613,856 alleles (0.0015%); highest among the groups gnomAD compares: Non-Finnish European, 0.0018%; no homozygotes.

Submissions (3):

Labcorp Genetics (formerly Invitae), Labcorp
Classification: Uncertain significance. Last evaluated: 2024-10-27. Review status: criteria provided, single submitter. Criteria: Invitae Variant Classification Sherloc (09022015). Collection method: clinical testing. Allele origin: germline.
Comment: This sequence change replaces isoleucine, which is neutral and non-polar, with serine, which is neutral and polar, at codon 10 of the GINS1 protein (p.Ile10Ser). This variant is present in population databases (rs752803071, gnomAD 0.009%). This variant has not been reported in the literature in individuals affected with GINS1-related conditions. ClinVar contains an entry for this variant (Variation ID: 1012480). An algorithm developed to predict the effect of missense changes on protein structure and function (PolyPhen-2) suggests that this variant is likely to be disruptive. In summary, the available evidence is currently insufficient to determine the role of this variant in disease. Therefore, it has been classified as a Variant of Uncertain Significance.

Blueprint Genetics
Classification: Uncertain significance. Last evaluated: 2023-10-05. Review status: criteria provided, single submitter. Criteria: ACMG Guidelines, 2015. Collection method: clinical testing. Allele origin: germline.

CeGaT Center for Human Genetics Tuebingen
Classification: Uncertain significance. Last evaluated: 2020-09-01. Review status: criteria provided, single submitter. Criteria: CeGaT Center For Human Genetics Tuebingen Variant Classification Criteria Version 2. Collection method: clinical testing. Allele origin: germline. Affected: yes. Observed: 2 variant alleles.